The following is an entry in ClinVar:

ClinVar aggregate classification (germline): Uncertain significance (1 of 4 stars; one submission).

Allele frequency attached by ClinVar (database versions not stated): gnomAD exomes 0.00001.
gnomAD v4.1: 6 of 1,613,688 alleles (0.00037%); highest among the groups gnomAD compares: Non-Finnish European, 0.00051%; no homozygotes.

Submission:

Labcorp Genetics (formerly Invitae), Labcorp
Classification: Uncertain significance. Last evaluated: 2025-03-17. Review status: criteria provided, single submitter. Criteria: Invitae Variant Classification Sherloc (09022015). Collection method: clinical testing. Allele origin: germline.
Comment: This sequence change replaces lysine, which is basic and polar, with arginine, which is basic and polar, at codon 518 of the COL9A3 protein (p.Lys518Arg). This variant is not present in population databases (gnomAD no frequency). This variant has not been reported in the literature in individuals affected with COL9A3-related conditions. ClinVar contains an entry for this variant (Variation ID: 1895958). Invitae Evidence Modeling of protein sequence and biophysical properties (such as structural, functional, and spatial information, amino acid conservation, physicochemical variation, residue mobility, and thermodynamic stability) indicates that this missense variant is not expected to disrupt COL9A3 protein function with a negative predictive value of 95%. Algorithms developed to predict the effect of sequence changes on RNA splicing suggest that this variant may disrupt the consensus splice site. In summary, the available evidence is currently insufficient to determine the role of this variant in disease. Therefore, it has been classified as a Variant of Uncertain Significance.

NM_001853.4(COL9A3):c.1553A>G (p.Lys518Arg)

Genes: COL9A3 (collagen type IX alpha 3 chain; plus strand), LOC126863084 (MED14-independent group 3 enhancer GRCh37_chr20:61467141-61468340; plus strand). Cytogenetic location: 20q13.33.
Variant type: single nucleotide variant.
Coding change: c.1553A>G on transcript NM_001853.4 (MANE Select); coding-DNA position 1553, A replaced by G.
Protein change: p.Lys518Arg; replaces lysine 518 with arginine.
Molecular consequence: missense variant.
Genome position (GRCh38, 1-based): chr20:62,836,482, A>G. VCF-style: chr20-62836482-A-G. GRCh37 (hg19) VCF-style: chr20-61467834-A-G.
Other names: short protein forms K518R.
Identifiers: ClinVar variation 1895958 (VCV001895958.5), dbSNP rs2063637283, ClinGen allele CA409598415.